The following is an entry in ClinVar:

NM_001378454.1(ALMS1):c.2021A>G (p.Asp674Gly)

Gene: ALMS1 (ALMS1 centrosome and basal body associated protein; plus strand). Cytogenetic location: 2p13.1.
Variant type: single nucleotide variant.
Coding change: c.2021A>G on transcript NM_001378454.1 (MANE Select); coding-DNA position 2021, A replaced by G.
Protein change: p.Asp674Gly; replaces aspartic acid 674 with glycine.
Molecular consequence: missense variant.
Genome position (GRCh38, 1-based): chr2:73,448,548, A>G. VCF-style: chr2-73448548-A-G. GRCh37 (hg19) VCF-style: chr2-73675675-A-G.
Other names: c.2024A>G, p.Asp675Gly (NM_015120.4); short protein forms D675G, D674G.
Identifiers: ClinVar variation 2169106 (VCV002169106.1), dbSNP rs781126342, ClinGen allele CA1713259.
Genomic context (GRCh38, chr2:73,448,548, plus strand): 5'-CAGTGGAGCAGAAGACGGGAATACCTACAGTATCCTCTACATCCCACTCACATGTAGAGG[A>G]CCTCCTCTTTTTCTATCGACAGACCTTGCCAGATGGTCATCTAACTGATCAGGCTCTGAA-3'
Protein context (NP_001365383.1, residues 664-684): VSSTSHSHVE[Asp674Gly]LLFFYRQTLP

ClinVar aggregate classification (germline): Uncertain significance (1 of 4 stars; one submission).

Conditions:
Alstrom syndrome (ALMS). Identifiers: Orphanet 64, MedGen C0268425, MONDO:0008763, OMIM 203800.

Allele frequency attached by ClinVar (database versions not stated): gnomAD exomes below 0.00001; TOPMed below 0.00001; ExAC 0.00001; gnomAD 0.00001.

Submission:

Labcorp Genetics (formerly Invitae), Labcorp
Classification: Uncertain significance for Alstrom syndrome. Last evaluated: 2022-09-07. Review status: criteria provided, single submitter. Criteria: Invitae Variant Classification Sherloc (09022015). Collection method: clinical testing. Allele origin: germline.
Comment: This sequence change replaces aspartic acid, which is acidic and polar, with glycine, which is neutral and non-polar, at codon 675 of the ALMS1 protein (p.Asp675Gly). The frequency data for this variant in the population databases is considered unreliable, as metrics indicate poor data quality at this position in the gnomAD database. This variant has not been reported in the literature in individuals affected with ALMS1-related conditions. Experimental studies and prediction algorithms are not available or were not evaluated, and the functional significance of this variant is currently unknown. In summary, the available evidence is currently insufficient to determine the role of this variant in disease. Therefore, it has been classified as a Variant of Uncertain Significance.